The following is an entry in ClinVar:

NM_198859.4(PRICKLE2):c.340G>A (p.Gly114Ser)

Gene: PRICKLE2 (prickle planar cell polarity protein 2; minus strand). Cytogenetic location: 3p14.1.
Variant type: single nucleotide variant.
Coding change: c.340G>A on transcript NM_198859.4 (MANE Select); coding-DNA position 340, G replaced by A.
Protein change: p.Gly114Ser; replaces glycine 114 with serine.
Molecular consequence: missense variant.
Genome position (GRCh38, 1-based): chr3:64,159,996, C>T on the plus strand (G>A on the coding strand, the complement: PRICKLE2 is on the minus strand). VCF-style: chr3-64159996-C-T. GRCh37 (hg19) VCF-style: chr3-64145672-C-T.
Other names: c.340G>A, p.Gly114Ser (NM_001370528.1); short protein forms G114S.
Identifiers: ClinVar variation 3694166 (VCV003694166.2).
Genomic context (GRCh38, chr3:64,159,996, plus strand): 5'-TTACCTGTTCACAAATAGCTCCTGTCATGGTGACTGGGAAAGGCCTGACATTCCCGCGGC[C>T]CAAGTTTTCGCGTTTCCTCTGGCTGCTGAAAAGCTTCAGCTCCCTCTTCTCTTCCTCATC-3'
Protein context (NP_942559.1, residues 104-124): FSSQRKRENL[Gly114Ser]RGNVRPFPVT

ClinVar aggregate classification (germline): Uncertain significance (1 of 4 stars; one submission).

Conditions:
Progressive myoclonic epilepsy type 5. Identifiers: Orphanet 402082, MedGen C5190799.

Submission:

Labcorp Genetics (formerly Invitae), Labcorp
Classification: Uncertain significance for Progressive myoclonic epilepsy type 5. Last evaluated: 2024-04-05. Review status: criteria provided, single submitter. Criteria: Invitae Variant Classification Sherloc (09022015). Collection method: clinical testing. Allele origin: germline.
Comment: This sequence change replaces glycine, which is neutral and non-polar, with serine, which is neutral and polar, at codon 114 of the PRICKLE2 protein (p.Gly114Ser). This variant is not present in population databases (gnomAD no frequency). This variant has not been reported in the literature in individuals affected with PRICKLE2-related conditions. Advanced modeling of protein sequence and biophysical properties (such as structural, functional, and spatial information, amino acid conservation, physicochemical variation, residue mobility, and thermodynamic stability) performed at Invitae indicates that this missense variant is expected to disrupt PRICKLE2 protein function with a positive predictive value of 80%. In summary, the available evidence is currently insufficient to determine the role of this variant in disease. Therefore, it has been classified as a Variant of Uncertain Significance.